The following is an entry in ClinVar:

ClinVar aggregate classification (germline): Uncertain significance (1 of 4 stars; one submission).

Submission:

Labcorp Genetics (formerly Invitae), Labcorp
Classification: Uncertain significance. Last evaluated: 2022-12-02. Review status: criteria provided, single submitter. Criteria: Invitae Variant Classification Sherloc (09022015). Collection method: clinical testing. Allele origin: germline.
Comment: In summary, the available evidence is currently insufficient to determine the role of this variant in disease. Therefore, it has been classified as a Variant of Uncertain Significance. Experimental studies and prediction algorithms are not available or were not evaluated, and the effect of this variant on mRNA splicing is currently unknown. This variant has not been reported in the literature in individuals affected with TAOK2-related conditions. Information on the frequency of this variant in the gnomAD database is not available, as this variant may be reported differently in the database. This sequence change falls in intron 15 of the TAOK2 gene. It does not directly change the encoded amino acid sequence of the TAOK2 protein.

NM_016151.4(TAOK2):c.1993-17_1993-16inv

Gene: TAOK2 (TAO kinase 2; plus strand). Cytogenetic location: 16p11.2.
Variant type: Inversion.
Coding change: c.1993-17_1993-16inv on transcript NM_016151.4 (MANE Select).
Molecular consequence: intron variant.
Genome position: GRCh38 VCF-style: chr16-29986248-CA-TG. GRCh37 (hg19) VCF-style: chr16-29997569-CA-TG.
Other names: c.1993-17_1993-16inv (NM_004783.4, NM_001252043.2).
Identifiers: ClinVar variation 2967382 (VCV002967382.3), ClinGen allele CA2740093293.